The following is an entry in ClinVar:

ClinVar aggregate classification (germline): Uncertain significance (1 of 4 stars; one submission).

gnomAD v4.1: 28 of 1,613,948 alleles (0.0017%); highest among the groups gnomAD compares: Middle Eastern, 0.033%; no homozygotes.

Submission:

Labcorp Genetics (formerly Invitae), Labcorp
Classification: Uncertain significance. Last evaluated: 2025-07-31. Review status: criteria provided, single submitter. Criteria: Invitae Variant Classification Sherloc (09022015). Collection method: clinical testing. Allele origin: germline.
Comment: This sequence change replaces glycine, which is neutral and non-polar, with valine, which is neutral and non-polar, at codon 469 of the SLC41A1 protein (p.Gly469Val). This variant is present in population databases (rs767997513, gnomAD 0.003%). This variant has not been reported in the literature in individuals affected with SLC41A1-related conditions. ClinVar contains an entry for this variant (Variation ID: 3657321). An algorithm developed to predict the effect of missense changes on protein structure and function (PolyPhen-2) suggests that this variant is likely to be disruptive. In summary, the available evidence is currently insufficient to determine the role of this variant in disease. Therefore, it has been classified as a Variant of Uncertain Significance.

NM_173854.6(SLC41A1):c.1406G>T (p.Gly469Val)

Genes: SLC41A1 (solute carrier family 41 member 1; minus strand), LOC129932328 (ATAC-STARR-seq lymphoblastoid active region 2390; plus strand). Cytogenetic location: 1q32.1.
Variant type: single nucleotide variant.
Coding change: c.1406G>T on transcript NM_173854.6 (MANE Select); coding-DNA position 1406, G replaced by T.
Protein change: p.Gly469Val; replaces glycine 469 with valine.
Molecular consequence: missense variant.
Genome position (GRCh38, 1-based): chr1:205,791,669, C>A on the plus strand (G>T on the coding strand, the complement: SLC41A1 is on the minus strand). VCF-style: chr1-205791669-C-A. GRCh37 (hg19) VCF-style: chr1-205760797-C-A.
Other names: short protein forms G469V.
Identifiers: ClinVar variation 3657321 (VCV003657321.2).